The following is an entry in ClinVar:

NM_178014.4(TUBB):c.824G>A (p.Ser275Asn)

Gene: TUBB (tubulin beta class I; plus strand). Cytogenetic location: 6p21.33.
Variant type: single nucleotide variant.
Coding change: c.824G>A on transcript NM_178014.4 (MANE Select); coding-DNA position 824, G replaced by A.
Protein change: p.Ser275Asn; replaces serine 275 with asparagine.
Molecular consequence: missense variant. On other transcripts: intron variant (1).
Genome position (GRCh38, 1-based): chr6:30,723,886, G>A. VCF-style: chr6-30723886-G-A. GRCh37 (hg19) VCF-style: chr6-30691663-G-A.
Other names: c.884G>A, p.Ser295Asn (NM_001293212.2); c.692G>A, p.Ser231Asn (NM_001293214.2); c.608G>A, p.Ser203Asn (NM_001293215.2, NM_001293216.2); c.370-152G>A (NM_001293213.2); short protein forms S203N, S231N, S275N, S295N.
Identifiers: ClinVar variation 4855458 (VCV004855458.1).

ClinVar aggregate classification (germline): Uncertain significance (1 of 4 stars; one submission).

Conditions:
Complex cortical dysplasia with other brain malformations 6. Identifiers: MedGen C4014283, MONDO:0014341, OMIM 615771.

Submission:

3billion
Classification: Uncertain significance for Complex cortical dysplasia with other brain malformations 6. Last evaluated: 2025-06-01. Review status: criteria provided, single submitter. Criteria: ACMG Guidelines, 2015. Collection method: clinical testing. Allele origin: germline. Affected: yes.
Comment: The variant is not observed in the gnomAD v4.1.0 dataset. Predicted Consequence/Location: Missense variant. Missense changes are a common disease-causing mechanism. In silico tool predictions suggest damaging effect of the variant on gene or gene product [3Cnet: 0.82 (> 0.75, sensitivity 0.96 and precision 0.92)]. Therefore, this variant is classified as VUS according to the recommendation of ACMG/AMP guideline.